The following is an entry in ClinVar:

NM_002432.3(MNDA):c.923A>G (p.Lys308Arg)

Gene: MNDA (myeloid cell nuclear differentiation antigen; plus strand). Cytogenetic location: 1q23.1.
Variant type: single nucleotide variant.
Coding change: c.923A>G on transcript NM_002432.3 (MANE Select); coding-DNA position 923, A replaced by G.
Protein change: p.Lys308Arg; replaces lysine 308 with arginine.
Molecular consequence: missense variant.
Genome position (GRCh38, 1-based): chr1:158,845,939, A>G. VCF-style: chr1-158845939-A-G. GRCh37 (hg19) VCF-style: chr1-158815729-A-G.
Other names: short protein forms K308R.
Identifiers: ClinVar variation 1766280 (VCV001766280.2), dbSNP rs971117295, ClinGen allele CA31306349.
Genomic context (GRCh38, chr1:158,845,939, plus strand): 5'-ACTTTAATCAAAATTTTGAGGTCCCAAACAGAATTATCGAAATAGCAAATAAAACTCCCA[A>G]GATCAGTCAACTTTACAAGCAAGCATCTGGAACAATGGTGTATGGGTTGTTTATGTTACA-3'
Protein context (NP_002423.1, residues 298-318): RIIEIANKTP[Lys308Arg]ISQLYKQASG

ClinVar aggregate classification (germline): Uncertain significance (1 of 4 stars; one submission).

Allele frequency attached by ClinVar (database versions not stated): gnomAD exomes below 0.00001.
gnomAD v4.1: 2 of 1,614,168 alleles (0.00012%); highest among the groups gnomAD compares: Non-Finnish European, 0.00017%; no homozygotes.

Submission:

Ambry Genetics
Classification: Uncertain significance. Last evaluated: 2021-07-28. Review status: criteria provided, single submitter. Criteria: Ambry Variant Classification Scheme 2023. Collection method: clinical testing. Allele origin: germline.
Comment: The p.K308R variant (also known as c.923A>G), located in coding exon 4 of the MNDA gene, results from an A to G substitution at nucleotide position 923. The lysine at codon 308 is replaced by arginine, an amino acid with highly similar properties. This amino acid position is conserved. In addition, this alteration is predicted to be tolerated by in silico analysis. Since supporting evidence is limited at this time, the clinical significance of this alteration remains unclear.